The following is an entry in ClinVar:

ClinVar aggregate classification (germline): Likely benign. Review status: criteria provided, multiple submitters, no conflicts (2 of 4 stars). 3 submissions from 3 submitters: Likely benign (3). Last evaluated 2024-10-01.

Conditions:
Inborn genetic diseases. Identifiers: MedGen C0950123, MeSH D030342.
Early-infantile DEE. Also called: Early infantile epileptic encephalopathy with suppression bursts; Early infantile epileptic encephalopathy; Ohtahara syndrome. Identifiers: Orphanet 1934, MedGen C0393706, MONDO:0800491.

Allele frequency attached by ClinVar (database versions not stated): gnomAD exomes below 0.00001; gnomAD 0.00001.
gnomAD v4.1: 6 of 1,613,938 alleles (0.00037%); highest among the groups gnomAD compares: Non-Finnish European, 0.00051%; no homozygotes.

Submissions (3):

Labcorp Genetics (formerly Invitae), Labcorp
Classification: Likely benign for Early-infantile DEE. Last evaluated: 2024-10-01. Review status: criteria provided, single submitter. Criteria: Invitae Variant Classification Sherloc (09022015). Collection method: clinical testing. Allele origin: germline.

CeGaT Center for Human Genetics Tuebingen
Classification: Likely benign. Last evaluated: 2022-11-01. Review status: criteria provided, single submitter. Criteria: CeGaT Center For Human Genetics Tuebingen Variant Classification Criteria Version 2. Collection method: clinical testing. Allele origin: germline. Affected: yes. Observed: 1 variant allele.
Comment: SCN8A: BP4, BP7

Ambry Genetics
Classification: Likely benign for Inborn genetic diseases. Last evaluated: 2019-11-01. Review status: criteria provided, single submitter. Criteria: Ambry Variant Classification Scheme 2023. Collection method: clinical testing. Allele origin: germline.

NM_001330260.2(SCN8A):c.156G>A (p.Lys52=)

Genes: SCN8A (sodium voltage-gated channel alpha subunit 8; plus strand), LOC114803470 (SCN8A eExon liver enhancer; plus strand). Cytogenetic location: 12q13.13.
Variant type: single nucleotide variant.
Coding change: c.156G>A on transcript NM_001330260.2 (MANE Select); coding-DNA position 156, G replaced by A.
Protein change: p.Lys52=; no amino-acid change (lysine 52 retained).
Molecular consequence: synonymous variant.
Genome position (GRCh38, 1-based): chr12:51,662,973, G>A. VCF-style: chr12-51662973-G-A. GRCh37 (hg19) VCF-style: chr12-52056757-G-A.
Other names: c.156G>A, p.Lys52= (NM_001177984.3, NM_001369788.1, NM_014191.4).
Identifiers: ClinVar variation 1775482 (VCV001775482.31), dbSNP rs1309308977, ClinGen allele CA480096416.